The following is an entry in ClinVar:

NM_000051.4(ATM):c.8010+1G>C

Genes: ATM (ATM serine/threonine kinase; plus strand), C11orf65 (chromosome 11 open reading frame 65; minus strand). Cytogenetic location: 11q22.3.
Variant type: single nucleotide variant.
Coding change: c.8010+1G>C on transcript NM_000051.4 (MANE Select); the canonical splice donor site of the intron after coding-DNA position 8010, G replaced by C.
Molecular consequence: splice donor variant. On other transcripts: intron variant (2).
Genome position (GRCh38, 1-based): chr11:108,333,969, G>C. VCF-style: chr11-108333969-G-C. GRCh37 (hg19) VCF-style: chr11-108204696-G-C.
Other names: c.8010+1G>C (NM_001351834.2); c.641-24898C>G (NM_001330368.2); c.*38+1251C>G (NM_001351110.2).
Identifiers: ClinVar variation 3148307 (VCV003148307.2), dbSNP rs775136925, ClinGen allele CA6266234.

ClinVar aggregate classification (germline): Likely pathogenic. Review status: criteria provided, multiple submitters, no conflicts (2 of 4 stars). 2 submissions from 2 submitters: Likely pathogenic (2). Last evaluated 2026-06-09.

Conditions:
Familial cancer of breast. Also called: hereditary breast carcinoma; BREAST CANCER, FAMILIAL; Hereditary breast cancer. Identifiers: Orphanet 227535, MedGen C0346153, MONDO:0016419, OMIM 114480. Disease mechanism: loss of function.
Hereditary cancer-predisposing syndrome. Also called: Tumor predisposition; Hereditary Cancer Syndrome; Hereditary neoplastic syndrome; Neoplastic Syndromes, Hereditary. Identifiers: Orphanet 140162, MedGen C0027672, MeSH D009386, MONDO:0015356.

Allele frequency attached by ClinVar (database versions not stated): ExAC 0.00001.

Submissions (2):

Ambry Genetics
Classification: Likely pathogenic for Hereditary cancer-predisposing syndrome. Last evaluated: 2026-06-09. Review status: criteria provided, single submitter. Criteria: Ambry Variant Classification Scheme 2023. Collection method: clinical testing. Allele origin: germline.
Comment: The c.8010+1G>C intronic variant results from a G to C substitution one nucleotide after coding exon 53 of the ATM gene. This nucleotide position is highly conserved in available vertebrate species. Alterations that disrupt the canonical splice site are expected to cause aberrant splicing, resulting in an abnormal protein or a transcript that is subject to nonsense-mediated mRNA decay. In silico splice site analysis predicts that this alteration will weaken the native splice donor site. RNA studies have demonstrated that this variant results in abnormal splicing in the set of samples tested (Ambry internal data). This variant is considered to be rare based on population cohorts in the Genome Aggregation Database (gnomAD). As such, this alteration is classified as likely pathogenic.

Myriad Genetics, Inc.
Classification: Likely pathogenic for Familial cancer of breast. Last evaluated: 2024-02-01. Review status: criteria provided, single submitter. Criteria: Myriad Autosomal Dominant, Autosomal Recessive and X-Linked Classification Criteria (2023). Collection method: clinical testing. Allele origin: unknown.
Comment: This variant is considered likely pathogenic. This variant occurs within a consensus splice junction and is predicted to result in abnormal mRNA splicing of either an out-of-frame exon or an in-frame exon necessary for protein stability and/or normal function.